The following is an entry in ClinVar:

NM_000260.4(MYO7A):c.4324-1G>C

Gene: MYO7A (myosin VIIA; plus strand). Cytogenetic location: 11q13.5.
Variant type: single nucleotide variant.
Coding change: c.4324-1G>C on transcript NM_000260.4 (MANE Select); the canonical splice acceptor site of the intron before coding-DNA position 4324, G replaced by C.
Molecular consequence: splice acceptor variant.
Genome position (GRCh38, 1-based): chr11:77,197,480, G>C. VCF-style: chr11-77197480-G-C. GRCh37 (hg19) VCF-style: chr11-76908525-G-C.
Other names: c.4291-1G>C (NM_001369365.1); c.4324-1G>C (NM_001127180.2).
Identifiers: ClinVar variation 4722218 (VCV004722218.1).

ClinVar aggregate classification (germline): Likely pathogenic (1 of 4 stars; one submission).

gnomAD v4.1: 1 of 1,587,384 alleles (0.000063%); highest among the groups gnomAD compares: Non-Finnish European, 0.000086%; no homozygotes.

Submission:

Labcorp Genetics (formerly Invitae), Labcorp
Classification: Likely pathogenic. Last evaluated: 2025-07-03. Review status: criteria provided, single submitter. Criteria: Invitae Variant Classification Sherloc (09022015). Collection method: clinical testing. Allele origin: germline.
Comment: This sequence change affects an acceptor splice site in intron 32 of the MYO7A gene. It is expected to disrupt RNA splicing. Variants that disrupt the donor or acceptor splice site typically lead to a loss of protein function (PMID: 16199547), and loss-of-function variants in MYO7A are known to be pathogenic (PMID: 8900236, 25404053). This variant is not present in population databases (gnomAD no frequency). This variant has not been reported in the literature in individuals affected with MYO7A-related conditions. Algorithms developed to predict the effect of sequence changes on RNA splicing suggest that this variant may disrupt the consensus splice site. In summary, the currently available evidence indicates that the variant is pathogenic, but additional data are needed to prove that conclusively. Therefore, this variant has been classified as Likely Pathogenic.

Literature cited by the submitters: PubMed 16199547; PubMed 8900236; PubMed 25404053.